The following is an entry in ClinVar:

NM_002907.4(RECQL):c.1731_1732delinsCT (p.Leu578Phe)

Genes: PYROXD1 (pyridine nucleotide-disulphide oxidoreductase domain 1; plus strand), RECQL (RecQ like helicase; minus strand). Cytogenetic location: 12p12.1.
Variant type: Indel.
Coding change: c.1731_1732delinsCT on transcript NM_002907.4 (MANE Select); coding-DNA positions 1731 to 1732, TC replaced by CT.
Protein change: p.Leu578Phe; replaces leucine 578 with phenylalanine.
Molecular consequence: missense variant. On other transcripts: 3 prime UTR variant (3).
Genome position (GRCh38, 1-based): chr12:21,471,034-21,471,035, GA replaced by AG on the plus strand (TC replaced by CT on the coding strand, the reverse complement: RECQL is on the minus strand). VCF-style: chr12-21471034-GA-AG. GRCh37 (hg19) VCF-style: chr12-21623968-GA-AG.
Other names: c.1731_1732delinsCT, p.Leu578Phe (NM_032941.3); c.*2280_*2281delinsAG (NM_001350912.2, NM_001350913.2, NM_024854.5); short protein forms L578F.
Identifiers: ClinVar variation 1471756 (VCV001471756.8), dbSNP rs2137311847, ClinGen allele CA2573148363.

ClinVar aggregate classification (germline): Uncertain significance. Review status: criteria provided, multiple submitters, no conflicts (2 of 4 stars). 2 submissions from 2 submitters: Uncertain significance (2). Last evaluated 2023-06-07.

Submissions (2):

Ambry Genetics
Classification: Uncertain significance. Last evaluated: 2023-06-07. Review status: criteria provided, single submitter. Criteria: Ambry Variant Classification Scheme 2023. Collection method: clinical testing. Allele origin: germline.
Comment: The c.1731_1732delTCinsCT variant, located in coding exon 13 of the RECQL gene, results from an in-frame deletion of TC and insertion of CT at nucleotide positions 1731 to 1732. This results in the substitution of the leucine residue for a phenylalanine residue at codon 578, an amino acid with highly similar properties. This amino acid position is highly conserved in available vertebrate species. The evidence for this gene-disease relationship is limited; therefore, the clinical significance of this alteration is unclear.

Labcorp Genetics (formerly Invitae), Labcorp
Classification: Uncertain significance. Last evaluated: 2022-12-14. Review status: criteria provided, single submitter. Criteria: Invitae Variant Classification Sherloc (09022015). Collection method: clinical testing. Allele origin: germline.
Comment: In summary, the available evidence is currently insufficient to determine the role of this variant in disease. Therefore, it has been classified as a Variant of Uncertain Significance. Experimental studies and prediction algorithms are not available or were not evaluated, and the functional significance of this variant is currently unknown. ClinVar contains an entry for this variant (Variation ID: 1471756). This variant has not been reported in the literature in individuals affected with RECQL-related conditions. Information on the frequency of this variant in the gnomAD database is not available, as this variant may be reported differently in the database. This sequence change replaces leucine, which is neutral and non-polar, with phenylalanine, which is neutral and non-polar, at codon 578 of the RECQL protein (p.Leu578Phe).